The following is an entry in ClinVar:

NM_004385.5(VCAN):c.8567C>T (p.Ser2856Leu)

Genes: VCAN (versican; plus strand), VCAN-AS1 (VCAN antisense RNA 1; minus strand). Cytogenetic location: 5q14.3.
Variant type: single nucleotide variant.
Coding change: c.8567C>T on transcript NM_004385.5 (MANE Select); coding-DNA position 8567, C replaced by T.
Protein change: p.Ser2856Leu; replaces serine 2856 with leucine.
Molecular consequence: missense variant. On other transcripts: intron variant (2).
Genome position (GRCh38, 1-based): chr5:83,541,570, C>T. VCF-style: chr5-83541570-C-T. GRCh37 (hg19) VCF-style: chr5-82837389-C-T.
Other names: c.5606C>T, p.Ser1869Leu (NM_001164097.2); c.4004-3967C>T (NM_001164098.2); c.1043-3967C>T (NM_001126336.3); short protein forms S2856L, S1869L.
Identifiers: ClinVar variation 4775394 (VCV004775394.1).
Genomic context (GRCh38, chr5:83,541,570, plus strand): 5'-AAGCCTCTGGACACACAGAGATCCCCCAGCCCAGTGCTCTGCCAGGAATAGACGTCGGCT[C>T]ATCTGTAATGTCCCCACAGGATTCTTTTAAGGAAATTCATGTAAATATTGAAGCGACTTT-3'
Protein context (NP_004376.2, residues 2846-2866): PSALPGIDVG[Ser2856Leu]SVMSPQDSFK

ClinVar aggregate classification (germline): Uncertain significance (1 of 4 stars; one submission).

gnomAD v4.1: 2 of 1,613,920 alleles (0.00012%); highest among the groups gnomAD compares: South Asian, 0.0022%; no homozygotes.

Submission:

Labcorp Genetics (formerly Invitae), Labcorp
Classification: Uncertain significance. Last evaluated: 2025-09-25. Review status: criteria provided, single submitter. Criteria: Invitae Variant Classification Sherloc (09022015). Collection method: clinical testing. Allele origin: germline.
Comment: This sequence change replaces serine, which is neutral and polar, with leucine, which is neutral and non-polar, at codon 2856 of the VCAN protein (p.Ser2856Leu). This variant is present in population databases (no rsID available, gnomAD 0.003%). This variant has not been reported in the literature in individuals affected with VCAN-related conditions. An algorithm developed to predict the effect of missense changes on protein structure and function (PolyPhen-2) suggests that this variant is likely to be tolerated. In summary, the available evidence is currently insufficient to determine the role of this variant in disease. Therefore, it has been classified as a Variant of Uncertain Significance.